The following is an entry in ClinVar:

NC_000016.9:g.(?_23625315)_(23625422_?)dup

Gene: PALB2 (partner and localizer of BRCA2; minus strand). Cytogenetic location: 16p12.2.
Variant type: Duplication.
Identifiers: ClinVar variation 583613 (VCV000583613.8).

ClinVar aggregate classification (germline): Likely pathogenic (1 of 4 stars; one submission).

Conditions:
Familial cancer of breast. Also called: Hereditary breast cancer; hereditary breast carcinoma; BREAST CANCER, FAMILIAL. Identifiers: Orphanet 227535, MedGen C0346153, MONDO:0016419, OMIM 114480. Disease mechanism: loss of function.

Submission:

Labcorp Genetics (formerly Invitae), Labcorp
Classification: Likely pathogenic for Familial cancer of breast. Last evaluated: 2022-10-13. Review status: criteria provided, single submitter. Criteria: Invitae Variant Classification Sherloc (09022015). Collection method: clinical testing. Allele origin: germline.
Comment: This variant results in a copy number gain of the genomic region encompassing exon(s) 11 of the PALB2 gene. While the exact position of this variant cannot be determined from the data, sub-genic copy number gains are generally in tandem (PMID: 25640679). This variant is predicted to be out-of-frame, and may result in an absent or disrupted protein product. Loss-of-function variants in PALB2 are known to be pathogenic (PMID: 17200668, 17200671, 17200672, 24136930, 25099575). A similar copy number variant has been observed in individual(s) with hereditary cancer (PMID: 30054569). ClinVar contains an entry for this variant (Variation ID: 216008). In summary, the currently available evidence indicates that the variant is pathogenic, but additional data are needed to prove that conclusively. Therefore, this variant has been classified as Likely Pathogenic.

Literature cited by the submitters: PubMed 25640679; PubMed 17200668; PubMed 17200671; PubMed 17200672; PubMed 24136930; PubMed 25099575; PubMed 30054569.